The following is an entry in ClinVar:

NM_032802.4(SPPL2A):c.841C>T (p.Arg281Cys)

Gene: SPPL2A (signal peptide peptidase like 2A; minus strand). Cytogenetic location: 15q21.2.
Variant type: single nucleotide variant.
Coding change: c.841C>T on transcript NM_032802.4 (MANE Select); coding-DNA position 841, C replaced by T.
Protein change: p.Arg281Cys; replaces arginine 281 with cysteine.
Molecular consequence: missense variant.
Genome position (GRCh38, 1-based): chr15:50,736,192, G>A on the plus strand (C>T on the coding strand, the complement: SPPL2A is on the minus strand). VCF-style: chr15-50736192-G-A. GRCh37 (hg19) VCF-style: chr15-51028389-G-A.
Other names: c.841C>T (NM_032802.3); short protein forms R281C.
Identifiers: ClinVar variation 1491046 (VCV001491046.10), dbSNP rs373920809, ClinGen allele CA7558387.

ClinVar aggregate classification (germline): Uncertain significance. Review status: criteria provided, multiple submitters, no conflicts (2 of 4 stars). 2 submissions from 2 submitters: Uncertain significance (2). Last evaluated 2026-01-26.

Allele frequency attached by ClinVar (database versions not stated): gnomAD exomes 0.00006 and 0.00011; ExAC 0.00013; 1000 Genomes Project 30x 0.00031; ESP Exome Variant Server 0.00039; 1000 Genomes Project 0.00040; gnomAD 0.00044 and 0.00048; TOPMed 0.00046.
gnomAD v4.1: 153 of 1,603,292 alleles (0.0095%); highest among the groups gnomAD compares: African/African-American, 0.17%; no homozygotes.

Submissions (2):

Labcorp Genetics (formerly Invitae), Labcorp
Classification: Uncertain significance. Last evaluated: 2026-01-26. Review status: criteria provided, single submitter. Criteria: Invitae Variant Classification Sherloc (09022015). Collection method: clinical testing. Allele origin: germline.
Comment: This sequence change replaces arginine, which is basic and polar, with cysteine, which is neutral and slightly polar, at codon 281 of the SPPL2A protein (p.Arg281Cys). This variant is present in population databases (rs373920809, gnomAD 0.1%), and has an allele count higher than expected for a pathogenic variant. This variant has not been reported in the literature in individuals affected with SPPL2A-related conditions. ClinVar contains an entry for this variant (Variation ID: 1491046). An algorithm developed to predict the effect of missense changes on protein structure and function outputs the following: PolyPhen-2: "Benign". The cysteine amino acid residue is found in multiple mammalian species, which suggests that this missense change does not adversely affect protein function. In summary, the available evidence is currently insufficient to determine the role of this variant in disease. Therefore, it has been classified as a Variant of Uncertain Significance.

Ambry Genetics
Classification: Uncertain significance. Last evaluated: 2025-04-07. Review status: criteria provided, single submitter. Criteria: Ambry Variant Classification Scheme 2023. Collection method: clinical testing. Allele origin: germline.